The following is an entry in ClinVar:

NM_000321.3(RB1):c.1802C>G (p.Thr601Ser)

Gene: RB1 (RB transcriptional corepressor 1; plus strand). Cytogenetic location: 13q14.2.
Variant type: single nucleotide variant.
Coding change: c.1802C>G on transcript NM_000321.3 (MANE Select); coding-DNA position 1802, C replaced by G.
Protein change: p.Thr601Ser; replaces threonine 601 with serine.
Molecular consequence: missense variant.
Genome position (GRCh38, 1-based): chr13:48,453,099, C>G. VCF-style: chr13-48453099-C-G. GRCh37 (hg19) VCF-style: chr13-49027235-C-G.
Other names: short protein forms T601S.
Identifiers: ClinVar variation 1380646 (VCV001380646.11), dbSNP rs910909092, ClinGen allele CA249305477.

ClinVar aggregate classification (germline): Uncertain significance. Review status: criteria provided, multiple submitters, no conflicts (2 of 4 stars). 2 submissions from 2 submitters: Uncertain significance (2). Last evaluated 2025-05-16.

Conditions:
Hereditary cancer-predisposing syndrome. Also called: Tumor predisposition; Neoplastic Syndromes, Hereditary; Hereditary Cancer Syndrome; Hereditary neoplastic syndrome. Identifiers: Orphanet 140162, MedGen C0027672, MeSH D009386, MONDO:0015356.
Retinoblastoma (RB1). Also called: RETINOBLASTOMA, SOMATIC. Identifiers: Orphanet 790, MedGen C0035335, MeSH D012175, MONDO:0008380, OMIM 180200, HP:0009919. Disease mechanism: loss of function. Inheritance: Both sporadic and heritable forms are tested..

Submissions (2):

Ambry Genetics
Classification: Uncertain significance for Hereditary cancer-predisposing syndrome. Last evaluated: 2025-05-16. Review status: criteria provided, single submitter. Criteria: Ambry Variant Classification Scheme 2023. Collection method: clinical testing. Allele origin: germline.
Comment: The p.T601S variant (also known as c.1802C>G), located in coding exon 18 of the RB1 gene, results from a C to G substitution at nucleotide position 1802. The threonine at codon 601 is replaced by serine, an amino acid with similar properties. This amino acid position is highly conserved in available vertebrate species. In addition, the in silico prediction for this alteration is inconclusive. Since supporting evidence is limited at this time, the clinical significance of this alteration remains unclear.

Labcorp Genetics (formerly Invitae), Labcorp
Classification: Uncertain significance for Retinoblastoma. Last evaluated: 2025-04-27. Review status: criteria provided, single submitter. Criteria: Invitae Variant Classification Sherloc (09022015). Collection method: clinical testing. Allele origin: germline.
Comment: This sequence change replaces threonine, which is neutral and polar, with serine, which is neutral and polar, at codon 601 of the RB1 protein (p.Thr601Ser). This variant is not present in population databases (gnomAD no frequency). This variant has not been reported in the literature in individuals affected with RB1-related conditions. ClinVar contains an entry for this variant (Variation ID: 1380646). Invitae Evidence Modeling of protein sequence and biophysical properties (such as structural, functional, and spatial information, amino acid conservation, physicochemical variation, residue mobility, and thermodynamic stability) indicates that this missense variant is not expected to disrupt RB1 protein function with a negative predictive value of 80%. In summary, the available evidence is currently insufficient to determine the role of this variant in disease. Therefore, it has been classified as a Variant of Uncertain Significance.